The following is an entry in ClinVar:

ClinVar aggregate classification (germline): Benign (1 of 4 stars; one submission).

Allele frequency attached by ClinVar (database versions not stated): 1000 Genomes Project 0.00519; 1000 Genomes Project 30x 0.00593; ESP Exome Variant Server 0.00634; gnomAD 0.00714; TOPMed 0.00818.
gnomAD v4.1: 14,520 of 1,613,968 alleles (0.9%); highest among the groups gnomAD compares: Admixed American, 1.1%; 95 homozygotes.

Submission:

CeGaT Center for Human Genetics Tuebingen
Classification: Benign. Last evaluated: 2022-11-01. Review status: criteria provided, single submitter. Criteria: CeGaT Center For Human Genetics Tuebingen Variant Classification Criteria Version 2. Collection method: clinical testing. Allele origin: germline. Affected: yes. Observed: 1 variant allele.
Comment: LPA: PP3, BS1, BS2

NM_005577.4(LPA):c.2969G>A (p.Arg990Gln)

Gene: LPA (lipoprotein(a); minus strand). Cytogenetic location: 6q26.
Variant type: single nucleotide variant.
Coding change: c.2969G>A on transcript NM_005577.4 (MANE Select); coding-DNA position 2969, G replaced by A.
Protein change: p.Arg990Gln; replaces arginine 990 with glutamine.
Molecular consequence: missense variant.
Genome position (GRCh38, 1-based): chr6:160,601,075, C>T on the plus strand (G>A on the coding strand, the complement: LPA is on the minus strand). VCF-style: chr6-160601075-C-T. GRCh37 (hg19) VCF-style: chr6-161022107-C-T.
Other names: short protein forms R990Q.
Identifiers: ClinVar variation 1879679 (VCV001879679.29), dbSNP rs41259144, ClinGen allele CA4086660.
Genomic context (GRCh38, chr6:160,601,075, plus strand): 5'-TCCCACCTGACACTGGGATCTGTTGTATAACACCAAGGGGCTGCCACAGGATCTGGATTT[C>T]GGCAGTAGTTCTTGATCAAGCCACTGGAAATTCCAAAAGAATACACATCACAAAAAATGG-3'
Protein context (NP_005568.2, residues 980-1000): PNAGLIKNYC[Arg990Gln]NPDPVAAPWC